The following is an entry in ClinVar:

NM_000492.4(CFTR):c.3350T>C (p.Ile1117Thr)

Genes: CFTR (CF transmembrane conductance regulator; plus strand), CFTR-AS2 (CFTR antisense RNA 2; minus strand), LOC111674472 (DNase I hypersensitive sites in introns 16 and 17a of CFTR; plus strand). Cytogenetic location: 7q31.2.
Variant type: single nucleotide variant.
Coding change: c.3350T>C on transcript NM_000492.4 (MANE Select); coding-DNA position 3350, T replaced by C.
Protein change: p.Ile1117Thr; replaces isoleucine 1117 with threonine.
Molecular consequence: missense variant.
Genome position (GRCh38, 1-based): chr7:117,611,791, T>C. VCF-style: chr7-117611791-T-C. GRCh37 (hg19) VCF-style: chr7-117251845-T-C.
Other names: short protein forms I1117T.
Identifiers: ClinVar variation 823649 (VCV000823649.16), dbSNP rs751853765, ClinGen allele CA4451429.

ClinVar aggregate classification (germline): Uncertain significance. Review status: criteria provided, multiple submitters, no conflicts (2 of 4 stars). 5 submissions from 5 submitters: Uncertain significance (4). 1 of the submissions does not count toward it. Last evaluated 2025-03-20.

Conditions:
Cystic fibrosis (CF). Also called: MUCOVISCIDOSIS. Identifiers: Orphanet 586, MedGen C0010674, MONDO:0009061, OMIM 219700. Disease mechanism: loss of function.

Allele frequency attached by ClinVar (database versions not stated): TOPMed below 0.00001; ExAC 0.00001; gnomAD exomes below 0.00001; gnomAD 0.00001.
gnomAD v4.1: 2 of 1,611,574 alleles (0.00012%); highest among the groups gnomAD compares: South Asian, 0.0011%; no homozygotes.

Submissions (5):

Women's Health and Genetics/Laboratory Corporation of America, LabCorp
Classification: Uncertain significance. Last evaluated: 2025-03-20. Review status: criteria provided, single submitter. Criteria: LabCorp Variant Classification Summary - May 2015. Collection method: clinical testing. Allele origin: germline.
Comment: Variant summary: CFTR c.3350T>C (p.Ile1117Thr) results in a non-conservative amino acid change in the encoded protein sequence. Five of five in-silico tools predict a damaging effect of the variant on protein function. The variant allele was found at a frequency of 4e-06 in 250528 control chromosomes. The available data on variant occurrences in the general population are insufficient to allow any conclusion about variant significance. c.3350T>C has been reported in the literature in an individual affected with Congenital Bilateral Absence Of The Vas Deferens. This report does not provide unequivocal conclusions about association of the variant with Congenital Bilateral Absence Of The Vas Deferens or other CFTR-related disorders. To our knowledge, no experimental evidence demonstrating an impact on protein function has been reported. The following publication have been ascertained in the context of this evaluation (PMID: 32020786). ClinVar contains an entry for this variant (Variation ID: 823649). Based on the evidence outlined above, the variant was classified as uncertain significance.

Labcorp Genetics (formerly Invitae), Labcorp
Classification: Uncertain significance for Cystic fibrosis. Last evaluated: 2024-06-19. Review status: criteria provided, single submitter. Criteria: Invitae Variant Classification Sherloc (09022015). Collection method: clinical testing. Allele origin: germline.
Comment: This sequence change replaces isoleucine, which is neutral and non-polar, with threonine, which is neutral and polar, at codon 1117 of the CFTR protein (p.Ile1117Thr). This variant is present in population databases (rs751853765, gnomAD 0.003%). This missense change has been observed in individual(s) with clinical features of CFTR-related conditions (PMID: 32020786). ClinVar contains an entry for this variant (Variation ID: 823649). Advanced modeling of protein sequence and biophysical properties (such as structural, functional, and spatial information, amino acid conservation, physicochemical variation, residue mobility, and thermodynamic stability) performed at Invitae indicates that this missense variant is not expected to disrupt CFTR protein function with a negative predictive value of 80%. In summary, the available evidence is currently insufficient to determine the role of this variant in disease. Therefore, it has been classified as a Variant of Uncertain Significance.

Ambry Genetics
Classification: Uncertain significance for Cystic fibrosis. Last evaluated: 2022-05-12. Review status: criteria provided, single submitter. Criteria: Ambry Variant Classification Scheme 2023. Collection method: clinical testing. Allele origin: germline.
Comment: The p.I1117T variant (also known as c.3350T>C), located in coding exon 20 of the CFTR gene, results from a T to C substitution at nucleotide position 3350. The isoleucine at codon 1117 is replaced by threonine, an amino acid with similar properties. This alteration was identified in an individual with congenital bilateral absence of the vas deferens (CBAVD) (Wang H et al. Andrology, 2020 09;8:1064-1069). This amino acid position is not well conserved in available vertebrate species. In addition, the in silico prediction for this alteration is inconclusive. Since supporting evidence is limited at this time, the clinical significance of this alteration remains unclear.

Genome-Nilou Lab
Classification: Uncertain significance for Cystic fibrosis. Last evaluated: 2021-09-05. Review status: criteria provided, single submitter. Criteria: ACMG Guidelines, 2015. Collection method: clinical testing. Allele origin: germline. Affected: no.

Natera, Inc.
Classification: Uncertain significance for Cystic Fibrosis. Last evaluated: 2020-09-16. Review status: no assertion criteria provided. Collection method: clinical testing. Allele origin: germline. Not counted in ClinVar's aggregate classification.

Literature cited by the submitters: PubMed 32020786 (cited by 3 submitters).